The following is an entry in ClinVar:

NM_000157.4(GBA1):c.1604G>A (p.Arg535His)

Genes: GBA1 (glucosylceramidase beta 1; minus strand), LOC106627981 (GBA recombination region; plus strand). Cytogenetic location: 1q22.
Variant type: single nucleotide variant.
Coding change: c.1604G>A on transcript NM_000157.4 (MANE Select); coding-DNA position 1604, G replaced by A.
Protein change: p.Arg535His; replaces arginine 535 with histidine.
Molecular consequence: missense variant.
Genome position (GRCh38, 1-based): chr1:155,235,002, C>T on the plus strand (G>A on the coding strand, the complement: GBA1 is on the minus strand). VCF-style: chr1-155235002-C-T. GRCh37 (hg19) VCF-style: chr1-155204793-C-T.
Other names: R496H; c.1604G>A, p.Arg535His (NM_001005741.3, NM_001005742.3); c.1343G>A, p.Arg448His (NM_001171811.2); c.1457G>A, p.Arg486His (NM_001171812.2); c.1604G>A (NM_001005742.2); short protein forms R535H, R486H, R448H.
Identifiers: ClinVar variation 4311 (VCV000004311.77), dbSNP rs75822236, ClinGen allele CA234081.
Genomic context (GRCh38, chr1:155,235,002, plus strand): 5'-CTGTCCCTTTAATGCCCAGGCTGAGCCCAGTGCCTCCTTGAGTATCTGCTCCATCACTGG[C>T]GACGCCACAGGTAGGTGTGAATGGAGTAGCCAGGTGAGATTGTCTCCAGGAAGCCCACAG-3'
Protein context (NP_000148.2, residues 525-536): GYSIHTYLWR[Arg535His]Q

ClinVar aggregate classification (germline): Pathogenic/Likely pathogenic. Review status: criteria provided, multiple submitters, no conflicts (2 of 4 stars). 24 submissions from 22 submitters: Pathogenic (21); Likely pathogenic (1). 2 of the submissions do not count toward it. Last evaluated 2026-08-27.

Conditions:
GBA-related disorder. Also called: GBA-related disorders.
GBA1-related disorder. Also called: GBA1-related condition.
Parkinson disease, late-onset (PD). Also called: Susceptibility to Parkinson's Disease; PARKINSON DISEASE, LATE-ONSET, SUSCEPTIBILITY TO; Hereditary late onset Parkinson disease. Identifiers: Orphanet 411602, MedGen C3160718, MONDO:0008199, OMIM 168600.
Gaucher disease-ophthalmoplegia-cardiovascular calcification syndrome. Also called: GAUCHER DISEASE, TYPE IIIC. Identifiers: Orphanet 2072, MedGen C1856476, MONDO:0009268, OMIM 231005.
Gaucher disease perinatal lethal. Also called: Gaucher disease collodion type; Gaucher Disease, Perinatal-Lethal Form. Identifiers: Orphanet 85212, MedGen C1842704, MONDO:0011945, OMIM 608013.
Gaucher disease type I (GD1). Also called: GAUCHER DISEASE, NONCEREBRAL JUVENILE; GBA DEFICIENCY; GD I; GLUCOCEREBROSIDASE DEFICIENCY; ACID BETA-GLUCOSIDASE DEFICIENCY; GD 1. Identifiers: Orphanet 355, Orphanet 77259, MedGen C1961835, MONDO:0009265, OMIM 230800.
Gaucher disease type II (GD2). Also called: GAUCHER DISEASE, ACUTE NEURONOPATHIC TYPE; GD II; Type 2 Gaucher disease (Acute; Infantile); Acute neuronopathic Gaucher's disease. Identifiers: Orphanet 77260, MedGen C0268250, MONDO:0009266, OMIM 230900.
Gaucher disease type III. Also called: GAUCHER DISEASE, CHRONIC NEURONOPATHIC TYPE; GAUCHER DISEASE, JUVENILE AND ADULT, CEREBRAL; GAUCHER DISEASE, SUBACUTE NEURONOPATHIC TYPE; GD III; Gaucher Disease, Type 3; Type 3 Gaucher disease (Subacute; Juvenile). Identifiers: Orphanet 355, Orphanet 77261, MedGen C0268251, MONDO:0009267, OMIM 231000.
Lewy body dementia (DLB). Also called: Lewy Body Disease. Identifiers: MedGen C0752347, MONDO:0007488, OMIM 127750.
Gaucher disease. Also called: Acute cerebral Gaucher disease; Cerebroside lipidosis syndrome; Gaucher splenomegaly; Sphingolipidosis 1; Glucocerebrosidosis; Glucosylceramidase deficiency. Identifiers: Orphanet 355, MedGen C0017205, MONDO:0018150.

Allele frequency attached by ClinVar (database versions not stated): gnomAD exomes 0.00011 and 0.00018; gnomAD 0.00006; ExAC 0.00031.

Submissions 1 to 10 of 24:

PreventionGenetics, part of Exact Sciences
Classification: Pathogenic for GBA1-related condition. Last evaluated: 2026-08-27. Review status: criteria provided, single submitter. Criteria: ACMG Guidelines, 2015. Collection method: clinical testing. Allele origin: germline.
Comment: The GBA1 c.1604G>A variant is predicted to result in the amino acid substitution p.Arg535His. In the homozygous or compound heterozygous state, this variant has been documented as causative for Gaucher disease, and is often reported in the literature as p.Arg496His (Beutler et al. 1993. PubMed ID: 8432537; Liou et al. 2006. PubMed ID: 16293621). In addition, numerous studies have revealed that carrying a pathogenic GBA variant confers an estimated odds ratio of 5.43 for the development of Parkinson disease and related disorders (OMIM *606463; Sidransky et al. 2009. PubMed ID: 19846850). This variant has been reported in patients with dementia with Lewy bodies and multiple system atrophy (Nalls et al. 2013. PubMed ID: 23588557; Sklerov et al. 2017. PubMed ID: 28966932). This variant is reported in 0.25% of alleles in individuals of Ashkenazi Jewish descent in gnomAD. This variant is interpreted as pathogenic for autosomal recessive Gaucher disease but as a risk allele for Parkinson disease.

Labcorp Genetics (formerly Invitae), Labcorp
Classification: Pathogenic. Last evaluated: 2026-01-26. Review status: criteria provided, single submitter. Criteria: Invitae Variant Classification Sherloc (09022015). Collection method: clinical testing. Allele origin: germline.
Comment: This sequence change replaces arginine, which is basic and polar, with histidine, which is basic and polar, at codon 535 of the GBA protein (p.Arg535His). This variant is present in population databases (rs75822236, gnomAD 0.2%). This missense change has been observed in individual(s) with dementia with Lewy bodies, Gaucher disease, and/or Parkinson's disease (PMID: 8432537, 12972024, 23430543, 23588557, 23699752, 25933391, 27735925). This variant is also known as p.Arg496His or R496H. ClinVar contains an entry for this variant (Variation ID: 4311). Invitae Evidence Modeling of protein sequence and biophysical properties (such as structural, functional, and spatial information, amino acid conservation, physicochemical variation, residue mobility, and thermodynamic stability) has been performed for this missense variant. However, the output from this modeling did not meet the statistical confidence thresholds required to predict the impact of this variant on GBA protein function. Experimental studies have shown that this missense change affects GBA function (PMID: 16293621). For these reasons, this variant has been classified as Pathogenic.

Variantyx, Inc.
Classification: Pathogenic for Gaucher disease type I. Last evaluated: 2026-01-22. Review status: criteria provided, single submitter. Criteria: Variantyx Assertion Criteria 2022. Collection method: clinical testing. Allele origin: germline. Inheritance: Autosomal recessive inheritance. Affected: yes.
Comment: This is a nonsynonymous variant in the GBA1 gene (OMIM: 606463). Pathogenic variants in this gene have been associated with autosomal recessive Gaucher disease type I. This variant has been identified in the compound heterozygous state in at least ten unrelated individuals reported in the published literature (PMID: 8432537, 27735925) (PM3). An alternate amino acid change at this position (p.Arg535Cys) has been previously reported in similarly affected individuals, which suggests that this residue is biologically important (PMID: 27865684, 30764785, 30637984) (PM5). This variant has a 0.0147% maximum allele frequency in non-founder control populations (PM2). Computational algorithms produce conflicting evidence regarding the predicted functional impact of this variant (REVEL score: 0.566). Based on the current evidence, this variant is classified as pathogenic for autosomal recessive Gaucher disease type I.

Natera, Inc.
Classification: Pathogenic for Gaucher disease. Last evaluated: 2025-11-24. Review status: criteria provided, single submitter. Criteria: Natera Variant Classification Schema (03/2026). Collection method: clinical testing. Allele origin: germline.
Comment: The c.1604G>A variant in GBA1 is a missense variant predicted to cause substitution of arginine to histidine at amino acid 535. This variant is rare in the general population with a frequency below the threshold expected for the associated phenotype(s). This variant has been observed in one or more individuals affected with the associated recessive disease, as either homozygous or compound heterozygous with a second variant (PMID: 34134921, 22429443, 34649574). A different variant at the same position has been determined to be Pathogenic or Likely Pathogenic. Given the available evidence, this variant is classified as Pathogenic.

Revvity Omics, Revvity
Classification: Pathogenic. Last evaluated: 2025-01-23. Review status: criteria provided, single submitter. Criteria: ACMG Guidelines, 2015. Collection method: clinical testing. Allele origin: germline.

Blueprint Genetics
Classification: Pathogenic for GBA-related disorders. Last evaluated: 2024-06-11. Review status: criteria provided, single submitter. Criteria: ACMG Guidelines, 2015. Collection method: clinical testing. Allele origin: germline. Affected: yes. Observed: 3 variant alleles.

Department of Pathology and Laboratory Medicine, Sinai Health System
Classification: Pathogenic for Gaucher disease. Last evaluated: 2023-05-09. Review status: criteria provided, single submitter. Criteria: ACMG Guidelines, 2015. Collection method: research. Allele origin: germline.

Ambry Genetics
Classification: Pathogenic. Last evaluated: 2022-06-23. Review status: criteria provided, single submitter. Criteria: Ambry Variant Classification Scheme 2023. Collection method: clinical testing. Allele origin: germline.
Comment: The p.R535H pathogenic mutation (also known as c.1604G>A and p.R496H), located in coding exon 11 of the GBA gene, results from a G to A substitution at nucleotide position 1604. The arginine at codon 535 is replaced by histidine, an amino acid with highly similar properties. In one study of 2,012 individuals screened for various autosomal recessive conditions, it was the third most common GBA alteration detected with a carrier frequency of 1 in 335 (Scott SA et al. Hum. Mutat. 2010; 31(11):1240-50). In addition, this variant has been detected on several alleles from individuals with Gaucher disease; however, specific phenotype information and/or additional mutation and phase information was not provided (Beutler E et al. Genomics 1993;15(1):203-5; Siebert M et al. JIMD Rep 2013 ; 9():7-16; Alfonso P et al. J. Hum. Genet. 2007; 52(5):391-6). This variant has also been detected in two individuals with Parkinson disease and Lewy body dementia (Chahine LM et al. JAMA Neurol 2013; 70(7):852-8; Nalls MA et al. JAMA Neurol 2013 ; 70(6):727-35). In another study which characterized basic kinetic, stability, and activator response properties of this alteration in an in vitro environment, authors concluded that this alteration has little, if any, in vitro catalytic activity (Liou B et al. J. Biol. Chem. 2006; 281(7):4242-53). Based on the supporting evidence, this alteration is interpreted as a disease-causing mutation.

Fulgent Genetics
Classification: Pathogenic for Lewy body dementia; Parkinson disease, late-onset; Gaucher disease type I; Gaucher disease type II; Gaucher disease type III; Gaucher disease-ophthalmoplegia-cardiovascular calcification syndrome; Gaucher disease perinatal lethal. Last evaluated: 2021-12-29. Review status: criteria provided, single submitter. Criteria: ACMG Guidelines, 2015. Collection method: clinical testing. Allele origin: unknown.

AiLife Diagnostics
Classification: Likely pathogenic. Last evaluated: 2021-06-10. Review status: criteria provided, single submitter. Criteria: ACMG Guidelines, 2015. Collection method: clinical testing. Allele origin: germline. Affected: yes. Observed: 1 variant allele.